The following is an entry in ClinVar:

ClinVar aggregate classification (germline): Benign. Review status: criteria provided, multiple submitters, no conflicts (2 of 4 stars). 7 submissions from 7 submitters: Benign (4). 3 of the submissions do not count toward it. Last evaluated 2026-02-04.

Conditions:
Deficiency of ferroxidase (ACEP). Also called: Aceruloplasminemia; Deficiency of ceruloplasmin; NEURODEGENERATION WITH BRAIN IRON ACCUMULATION 10; Ceruloplasmin deficiency; Familial apoceruloplasmin deficiency; Hereditary ceruloplasmin deficiency. Identifiers: Orphanet 48818, MedGen C0878682, MONDO:0011426, OMIM 604290, HP:0025498.

Allele frequency attached by ClinVar (database versions not stated): gnomAD exomes 0.03827 and 0.04339; ExAC 0.03998; 1000 Genomes Project 0.04513; 1000 Genomes Project 30x 0.04575; gnomAD 0.04915 and 0.05131; TOPMed 0.05139; ESP Exome Variant Server 0.05275.
gnomAD v4.1: 71,032 of 1,613,124 alleles (4.4%); highest among the groups gnomAD compares: African/African-American, 7.8%; 1,691 homozygotes.

Submissions (7):

Labcorp Genetics (formerly Invitae), Labcorp
Classification: Benign for Deficiency of ferroxidase. Last evaluated: 2026-02-04. Review status: criteria provided, single submitter. Criteria: Invitae Variant Classification Sherloc (09022015). Collection method: clinical testing. Allele origin: germline.

GeneDx
Classification: Benign. Last evaluated: 2018-07-09. Review status: criteria provided, single submitter. Criteria: GeneDx Variant Classification Process June 2021. Collection method: clinical testing. Allele origin: germline. Affected: yes.

Illumina Laboratory Services, Illumina
Classification: Benign for Deficiency of ferroxidase. Last evaluated: 2018-01-13. Review status: criteria provided, single submitter. Criteria: ICSL Variant Classification Criteria 13 December 2019. Collection method: clinical testing. Allele origin: germline.
Comment: This variant was observed in the ICSL laboratory as part of a predisposition screen in an ostensibly healthy population. It had not been previously curated by ICSL or reported in the Human Gene Mutation Database (HGMD: prior to June 1st, 2018), and was therefore a candidate for classification through an automated scoring system. Utilizing variant allele frequency, disease prevalence and penetrance estimates, and inheritance mode, an automated score was calculated to assess if this variant is too frequent to cause the disease. Based on the score and internal cut-off values, a variant classified as benign is not then subjected to further curation. The score for this variant resulted in a classification of benign for this disease.

Breakthrough Genomics
Classification: Benign. Review status: criteria provided, single submitter. Criteria: ACMG Guidelines, 2015. Collection method: not provided. Allele origin: germline. Inheritance: Autosomal recessive inheritance. Affected: yes.

Clinical Genetics DNA and cytogenetics Diagnostics Lab, Erasmus MC, Erasmus Medical Center
Classification: Benign. Review status: no assertion criteria provided. Collection method: clinical testing. Allele origin: germline. Affected: yes. Study: VKGL Data-share Consensus. Not counted in ClinVar's aggregate classification.

Genome Diagnostics Laboratory, Amsterdam University Medical Center
Classification: Benign. Review status: no assertion criteria provided. Collection method: clinical testing. Allele origin: germline. Affected: yes. Study: VKGL Data-share Consensus. Not counted in ClinVar's aggregate classification.

Joint Genome Diagnostic Labs from Nijmegen and Maastricht, Radboudumc and MUMC+
Classification: Benign. Review status: no assertion criteria provided. Collection method: clinical testing. Allele origin: germline. Affected: yes. Study: VKGL Data-share Consensus. Not counted in ClinVar's aggregate classification.

NM_000096.4(CP):c.782-14C>T

Gene: CP (ceruloplasmin; minus strand). Cytogenetic location: 3q25.1.
Variant type: single nucleotide variant.
Coding change: c.782-14C>T on transcript NM_000096.4 (MANE Select); 14 bases into the intron before coding-DNA position 782, C replaced by T.
Molecular consequence: intron variant.
Genome position (GRCh38, 1-based): chr3:149,207,631, G>A on the plus strand (C>T on the coding strand, the complement: CP is on the minus strand). VCF-style: chr3-149207631-G-A. GRCh37 (hg19) VCF-style: chr3-148925418-G-A.
Identifiers: ClinVar variation 343783 (VCV000343783.19), dbSNP rs34067682, ClinGen allele CA2661231.
Genomic context (GRCh38, chr3:149,207,631, plus strand): 5'-ACACATGGAGAGTCCTGGGAGACTTCCAAAAGTGTATCCATTCACAGCTGTAAGTCAAGA[G>A]CAGAGTTTGTGACTAAGAGTCATTAATGCTTGAGATAGTGAGAGTTACCTCTATATAAAT-3'